The following is an entry in ClinVar:

NM_000318.3(PEX2):c.*1842G>C

Gene: PEX2 (peroxisomal biogenesis factor 2; minus strand). Cytogenetic location: 8q21.13.
Variant type: single nucleotide variant.
Coding change: c.*1842G>C on transcript NM_000318.3 (MANE Select); 1842 bases downstream of the stop codon, G replaced by C.
Molecular consequence: 3 prime UTR variant.
Genome position (GRCh38, 1-based): chr8:76,981,419, C>G on the plus strand (G>C on the coding strand, the complement: PEX2 is on the minus strand). VCF-style: chr8-76981419-C-G. GRCh37 (hg19) VCF-style: chr8-77893655-C-G.
Other names: c.*1842G>C (NM_001079867.2, NM_001172086.2, NM_001172087.2).
Identifiers: ClinVar variation 363786 (VCV000363786.5), dbSNP rs184573256, ClinGen allele CA10628343.

ClinVar aggregate classification (germline): Likely benign (1 of 4 stars; one submission).

Conditions:
Peroxisome biogenesis disorder 5A (Zellweger) (PBD5A). Identifiers: Orphanet 912, MedGen C3553940, MONDO:0013932, OMIM 614866.

Allele frequency attached by ClinVar (database versions not stated): gnomAD 0.00497 and 0.00523; TOPMed 0.00543; 1000 Genomes Project 0.00619; 1000 Genomes Project 30x 0.00625.

Submission:

Illumina Laboratory Services, Illumina
Classification: Likely benign for Peroxisome biogenesis disorder 5A (Zellweger). Last evaluated: 2018-01-12. Review status: criteria provided, single submitter. Criteria: ICSL Variant Classification Criteria 13 December 2019. Collection method: clinical testing. Allele origin: germline.
Comment: This variant was observed in the ICSL laboratory as part of a predisposition screen in an ostensibly healthy population. It had not been previously curated by ICSL or reported in the Human Gene Mutation Database (HGMD: prior to June 1st, 2018), and was therefore a candidate for classification through an automated scoring system. Utilizing variant allele frequency, disease prevalence and penetrance estimates, and inheritance mode, an automated score was calculated to assess if this variant is too frequent to cause the disease. Based on the score and internal cut-off values, a variant classified as likely benign is not then subjected to further curation. The score for this variant resulted in a classification of likely benign for this disease.